The following is an entry in ClinVar:

ClinVar aggregate classification (germline): Uncertain significance (1 of 4 stars; one submission).

Conditions:
Combined oxidative phosphorylation defect type 13. Also called: Combined oxidative phosphorylation deficiency 13. Identifiers: Orphanet 319514, MedGen C4706283, MONDO:0013977, OMIM 614932.

gnomAD v4.1: 1 of 1,612,728 alleles (0.000062%); no homozygotes.

Submission:

OLLIN Analises Genomicas, OLLIN
Classification: Uncertain significance for Combined oxidative phosphorylation defect type 13. Last evaluated: 2026-08-06. Review status: criteria provided, single submitter. Criteria: ACMG Guidelines 2015 PMID 25741868. Collection method: clinical testing. Allele origin: germline. Inheritance: Autosomal recessive inheritance.
Comment: This missense variant, located in exon 8 (of 28), has been observed in gnomAD with an allele frequency of 0.000062%, but has not been reported in ClinVar or identified in the literature. In silico analysis is inconclusive regarding the impact of this variant. According to the currently available evidence, this variant has been classified as uncertain significance (PM2_P).

NM_033109.5(PNPT1):c.635G>T (p.Ser212Ile)

Gene: PNPT1 (polyribonucleotide nucleotidyltransferase 1; minus strand). Cytogenetic location: 2p16.1.
Variant type: single nucleotide variant.
Coding change: c.635G>T on transcript NM_033109.5 (MANE Select); coding-DNA position 635, G replaced by T.
Protein change: p.Ser212Ile; replaces serine 212 with isoleucine.
Molecular consequence: missense variant.
Genome position (GRCh38, 1-based): chr2:55,679,726, C>A on the plus strand (G>T on the coding strand, the complement: PNPT1 is on the minus strand). VCF-style: chr2-55679726-C-A. GRCh37 (hg19) VCF-style: chr2-55906861-C-A.
Other names: short protein forms S212I.
Identifiers: ClinVar variation 5002851 (VCV005002851.1).